The following is an entry in ClinVar:

NM_001267550.2(TTN):c.48078_48102del (p.Glu16026fs)

Genes: TTN (titin; minus strand), TTN-AS1 (TTN antisense RNA 1; plus strand). Cytogenetic location: 2q31.2.
Variant type: Deletion.
Coding change: c.48078_48102del on transcript NM_001267550.2 (MANE Select); coding-DNA positions 48078 to 48102, 25 bases deleted (ACGTTCAGACAAGGGCATTTATACA).
Protein change: p.Glu16026fs; shifts the reading frame from glutamic acid 16026.
Molecular consequence: frameshift variant.
Genome position (GRCh38, 1-based): chr2:178,616,787-178,616,811, TGTATAAATGCCCTTGTCTGAACGT deleted on the plus strand (ACGTTCAGACAAGGGCATTTATACA on the coding strand, the reverse complement: TTN is on the minus strand); deleting any 25 consecutive bases within chr2:178,616,787-178,616,812 gives the same sequence; the c. name uses the placement nearest the transcript's 3' end. VCF-style (leftmost placement, unchanged base first): chr2-178616786-GTGTATAAATGCCCTTGTCTGAACGT-G. GRCh37 (hg19) VCF-style: chr2-179481513-GTGTATAAATGCCCTTGTCTGAACGT-G.
Other names: c.43155_43179del, p.Glu14385fs (NM_001256850.1); c.20883_20907del, p.Glu6961fs (NM_003319.4); c.40374_40398del, p.Glu13458fs (NM_133378.4); c.21258_21282del, p.Glu7086fs (NM_133432.3); c.21459_21483del, p.Glu7153fs (NM_133437.4); short protein forms E13458fs, E14385fs, E16026fs, E6961fs, E7086fs, E7153fs.
Identifiers: ClinVar variation 4851570 (VCV004851570.1).

ClinVar aggregate classification (germline): Likely pathogenic (1 of 4 stars; one submission).

Conditions:
Hypertrophic cardiomyopathy 9. Also called: Familial hypertrophic cardiomyopathy 9. Identifiers: MedGen C1861065, MONDO:0013412, OMIM 613765.

Submission:

CGC Genetics, Unilabs
Classification: Likely pathogenic for Hypertrophic cardiomyopathy 9. Last evaluated: 2025-07-22. Review status: criteria provided, single submitter. Criteria: ACMG Guidelines, 2015. Collection method: clinical testing. Allele origin: germline. Inheritance: Autosomal dominant inheritance. Affected: yes. Observed: 1 variant allele.
Comment: The NM_133378.4:c.40374_40398del p.(Glu13458Aspfs*2) variant, detected in heterozygosity in the TTN gene (chr.2), is not described in the literature nor reported in the databases gnomAD and ClinVar. This is a frameshift variant located in exon 205 (of 312 exons) in the gene that introduces a premature stop codon, which is predicted to result in a truncated protein and/or reduced expression due to nonsense-mediated mRNA decay (NMD). Based on currently available information, this variant should be classified as likely pathogenic.